The following is an entry in ClinVar:

ClinVar aggregate classification (germline): Uncertain significance (1 of 4 stars; one submission).

gnomAD v4.1: 3 of 1,597,666 alleles (0.00019%); highest among the groups gnomAD compares: Admixed American, 0.005%; no homozygotes.

Submission:

Labcorp Genetics (formerly Invitae), Labcorp
Classification: Uncertain significance. Last evaluated: 2022-07-27. Review status: criteria provided, single submitter. Criteria: Invitae Variant Classification Sherloc (09022015). Collection method: clinical testing. Allele origin: germline.
Comment: This variant has not been reported in the literature in individuals affected with POLR1A-related conditions. This variant is not present in population databases (gnomAD no frequency). This sequence change replaces aspartic acid, which is acidic and polar, with histidine, which is basic and polar, at codon 151 of the POLR1A protein (p.Asp151His). Algorithms developed to predict the effect of missense changes on protein structure and function are either unavailable or do not agree on the potential impact of this missense change (SIFT: "Not Available"; PolyPhen-2: "Possibly Damaging"; Align-GVGD: "Not Available"). In summary, the available evidence is currently insufficient to determine the role of this variant in disease. Therefore, it has been classified as a Variant of Uncertain Significance.

NM_015425.6(POLR1A):c.451G>C (p.Asp151His)

Gene: POLR1A (RNA polymerase I subunit A; minus strand). Cytogenetic location: 2p11.2.
Variant type: single nucleotide variant.
Coding change: c.451G>C on transcript NM_015425.6 (MANE Select); coding-DNA position 451, G replaced by C.
Protein change: p.Asp151His; replaces aspartic acid 151 with histidine.
Molecular consequence: missense variant.
Genome position (GRCh38, 1-based): chr2:86,089,911, C>G on the plus strand (G>C on the coding strand, the complement: POLR1A is on the minus strand). VCF-style: chr2-86089911-C-G. GRCh37 (hg19) VCF-style: chr2-86317034-C-G.
Other names: short protein forms D151H.
Identifiers: ClinVar variation 2167017 (VCV002167017.4), dbSNP rs201827580, ClinGen allele CA347556467.